The following is an entry in ClinVar:

ClinVar aggregate classification (germline): Likely benign (1 of 4 stars; one submission).

Submission:

CeGaT Center for Human Genetics Tuebingen
Classification: Likely benign. Last evaluated: 2025-04-01. Review status: criteria provided, single submitter. Criteria: CeGaT Center For Human Genetics Tuebingen Variant Classification Criteria Version 2. Collection method: clinical testing. Allele origin: germline. Affected: yes. Observed: 1 variant allele.
Comment: FANCB: PM2:Supporting, BP4, BP7

NM_001018113.3(FANCB):c.1416A>G (p.Glu472=)

Gene: FANCB (FA complementation group B; minus strand). Cytogenetic location: Xp22.2.
Variant type: single nucleotide variant.
Coding change: c.1416A>G on transcript NM_001018113.3 (MANE Select); coding-DNA position 1416, A replaced by G.
Protein change: p.Glu472=; no amino-acid change (glutamic acid 472 retained).
Molecular consequence: synonymous variant.
Genome position (GRCh38, 1-based): chrX:14,850,585, T>C on the plus strand (A>G on the coding strand, the complement: FANCB is on the minus strand). VCF-style: chrX-14850585-T-C. GRCh37 (hg19) VCF-style: chrX-14868707-T-C.
Other names: c.1416A>G, p.Glu472= (NM_001324162.2, NM_001410764.1, NM_152633.4).
Identifiers: ClinVar variation 3898385 (VCV003898385.7).